The following is an entry in ClinVar:

NM_005633.4(SOS1):c.3826C>T (p.Pro1276Ser)

Gene: SOS1 (SOS Ras/Rac guanine nucleotide exchange factor 1; minus strand). Cytogenetic location: 2p22.1.
Variant type: single nucleotide variant.
Coding change: c.3826C>T on transcript NM_005633.4 (MANE Select); coding-DNA position 3826, C replaced by T.
Protein change: p.Pro1276Ser; replaces proline 1276 with serine.
Molecular consequence: missense variant.
Genome position (GRCh38, 1-based): chr2:38,986,000, G>A on the plus strand (C>T on the coding strand, the complement: SOS1 is on the minus strand). VCF-style: chr2-38986000-G-A. GRCh37 (hg19) VCF-style: chr2-39213141-G-A.
Other names: c.3805C>T, p.Pro1269Ser (NM_001382394.1); c.3781C>T, p.Pro1261Ser (NM_001382395.1); short protein forms P1276S, P1261S, P1269S.
Identifiers: ClinVar variation 423682 (VCV000423682.2), dbSNP rs1064796575, ClinGen allele CA16617535.

ClinVar aggregate classification (germline): Uncertain significance (1 of 4 stars; one submission).

gnomAD v4.1: 1 of 1,613,996 alleles (0.000062%); highest among the groups gnomAD compares: South Asian, 0.0011%; no homozygotes.

Submission:

GeneDx
Classification: Uncertain significance. Last evaluated: 2017-02-23. Review status: criteria provided, single submitter. Criteria: GeneDx Variant Classification (06012015). Collection method: clinical testing. Allele origin: germline. Affected: yes.
Comment: The P1276S variant of uncertain significance in the SOS1 gene has not been published as pathogenic or been reported as benign to our knowledge. P1276S is not observed in large population cohorts (Lek et al., 2016; 1000 Genomes Consortium et al., 2015; Exome Variant Server). The P1276S variant is a non-conservative amino acid substitution, which is likely to impact secondary protein structure as these residues differ in polarity, charge, size and/or other properties. Moreover, this substitution occurs at a position that is conserved across species. Although no nearby missense variants have been reported in the HumanGene Mutation Database, the SOS1 gene has a low rate of benign missense variation, and missense variants are a common mechanism of disease for this gene (Stenson et al., 2014). Nevertheless, in silico analysis predicts this variant likely does not alter the protein structure/function.